The following is an entry in ClinVar:

ClinVar aggregate classification (germline): Uncertain significance (0 of 4 stars; one submission).

Conditions:
CTTNBP2-related disorder. Also called: CTTNBP2-related condition.

Allele frequency attached by ClinVar (database versions not stated): gnomAD exomes below 0.00001.
gnomAD v4.1: 1 of 1,614,222 alleles (0.000062%); highest among the groups gnomAD compares: Non-Finnish European, 0.000085%; no homozygotes.

Submission:

PreventionGenetics, part of Exact Sciences
Classification: Uncertain significance for CTTNBP2-related condition. Last evaluated: 2024-02-02. Review status: no assertion criteria provided. Collection method: clinical testing. Allele origin: germline.
Comment: The CTTNBP2 c.2026T>C variant is predicted to result in the amino acid substitution p.Cys676Arg. To our knowledge, this variant has not been reported in the literature or in a large population database, indicating this variant is rare. At this time, the clinical significance of this variant is uncertain due to the absence of conclusive functional and genetic evidence.

NM_033427.3(CTTNBP2):c.2026T>C (p.Cys676Arg)

Gene: CTTNBP2 (cortactin binding protein 2; minus strand). Cytogenetic location: 7q31.31.
Variant type: single nucleotide variant.
Coding change: c.2026T>C on transcript NM_033427.3 (MANE Select); coding-DNA position 2026, T replaced by C.
Protein change: p.Cys676Arg; replaces cysteine 676 with arginine.
Molecular consequence: missense variant. On other transcripts: intron variant (2).
Genome position (GRCh38, 1-based): chr7:117,791,170, A>G on the plus strand (T>C on the coding strand, the complement: CTTNBP2 is on the minus strand). VCF-style: chr7-117791170-A-G. GRCh37 (hg19) VCF-style: chr7-117431224-A-G.
Other names: c.1972T>C, p.Cys658Arg (NM_001363349.1); c.-30+121T>C (NM_001363351.1, NM_001363350.1); short protein forms C658R, C676R.
Identifiers: ClinVar variation 3045019 (VCV003045019.2), dbSNP rs2116856261, ClinGen allele CA368993020.
Genomic context (GRCh38, chr7:117,791,170, plus strand): 5'-ACATTTCAATCCCTTTACCTGATGCTGTTACCAGGAGGCTGTCTGAGGCACCTGGTCTAC[A>G]GGATGAGGCACTAACGGGGTTTATGGAAGAGCAAAAGGCAATGGTGGTAGGAATGACAAG-3'
Protein context (NP_219499.1, residues 666-686): SSINPVSASS[Cys676Arg]RPGASDSLLV